The following is an entry in ClinVar:

ClinVar aggregate classification (germline): Pathogenic (1 of 4 stars; one submission).

Conditions:
Familial adenomatous polyposis 1 (FAP1). Also called: FAMILIAL ADENOMATOUS POLYPOSIS 1, ATTENUATED; POLYPOSIS, ADENOMATOUS INTESTINAL. Identifiers: MedGen C2713442, MONDO:0021056, OMIM 175100. Disease mechanism: loss of function.

Submission:

Labcorp Genetics (formerly Invitae), Labcorp
Classification: Pathogenic for Familial adenomatous polyposis 1. Last evaluated: 2020-12-01. Review status: criteria provided, single submitter. Criteria: Invitae Variant Classification Sherloc (09022015). Collection method: clinical testing. Allele origin: germline.
Comment: A different truncation (p.Tyr2645Lysfs*14) that lies downstream of this variant has been determined to be pathogenic (PMID: 9824584, 1316610, 27081525, 8381579, 22135120, Invitae). This suggests that deletion of this region of the APC protein is causative of disease. For these reasons, this variant has been classified as Pathogenic. This variant is expected to disrupt the EB1 and HDLG binding sites, which mediate interactions with the cytoskeleton (PMID: 15311282, 17293347). While functional studies have not been performed to directly test the effect on APC protein function, this suggests that disruption of the C-terminal portion of the protein is functionally important. This variant has not been reported in the literature in individuals with APC-related conditions. This variant is not present in population databases (ExAC no frequency). This sequence change creates a premature translational stop signal (p.Arg1882*) in the APC gene. While this is not anticipated to result in nonsense mediated decay, it is expected to disrupt the last 962 amino acid(s) of the APC protein.

Literature cited by the submitters: PubMed 9824584; PubMed 1316610; PubMed 27081525; PubMed 8381579; PubMed 22135120; PubMed 15311282; PubMed 17293347.

NM_000038.6(APC):c.5644A>T (p.Arg1882Ter)

Gene: APC (APC regulator of Wnt signaling pathway; plus strand). Cytogenetic location: 5q22.2.
Variant type: single nucleotide variant.
Coding change: c.5644A>T on transcript NM_000038.6 (MANE Select); coding-DNA position 5644, A replaced by T.
Protein change: p.Arg1882Ter; replaces arginine 1882 with a stop codon.
Molecular consequence: nonsense.
Genome position (GRCh38, 1-based): chr5:112,841,238, A>T. VCF-style: chr5-112841238-A-T. GRCh37 (hg19) VCF-style: chr5-112176935-A-T.
Other names: c.5644A>T, p.Arg1882Ter (NM_001127510.3, NM_001354895.2); c.5590A>T, p.Arg1864Ter (NM_001127511.3); c.5698A>T, p.Arg1900Ter (NM_001354896.2); c.5674A>T, p.Arg1892Ter (NM_001354897.2); c.5569A>T, p.Arg1857Ter (NM_001354898.2); c.5560A>T, p.Arg1854Ter (NM_001354899.2); c.5521A>T, p.Arg1841Ter (NM_001354900.2); c.5467A>T, p.Arg1823Ter (NM_001354901.2); and 5 more; short protein forms R1599*, R1781*, R1823*, R1864*, R1882*, R1892*, R1841*, R1854*.
Identifiers: ClinVar variation 1355732 (VCV001355732.8), dbSNP rs2149945442, ClinGen allele CA16033686.